The following is an entry in ClinVar:

NM_198239.2(CCN6):c.347-10_347-6del

Gene: CCN6 (cellular communication network factor 6; plus strand). Cytogenetic location: 6q21.
Variant type: Deletion.
Coding change: c.347-10_347-6del on transcript NM_198239.2 (MANE Select); 10 bases into the intron before coding-DNA position 347 through 6 bases into the intron before coding-DNA position 347, 5 bases deleted (CTCTT; older notation c.347-10_347-6delCTCTT).
Molecular consequence: intron variant.
Genome position (GRCh38, 1-based): chr6:112,064,745-112,064,749, CTCTT deleted; deleting any 5 consecutive bases within chr6:112,064,743-112,064,749 gives the same sequence; the c. name uses the placement nearest the transcript's 3' end. VCF-style (leftmost placement, unchanged base first): chr6-112064742-TTTCTC-T. GRCh37 (hg19) VCF-style: chr6-112385945-TTTCTC-T.
Other names: c.347-10_347-6del (NM_003880.4).
Identifiers: ClinVar variation 1680461 (VCV001680461.5), dbSNP rs1554313512, ClinGen allele CA365371337.
Genomic context (GRCh38, chr6:112,064,742, plus strand): 5'-AGGTTTATAATTGGAGGTCTAGACTATCACAGATCATGGCTTCTTTGGCAATTTTGCTCT[TTTCTC>T]TTTTCAGACCTTGTAGCTGTTGGGTGCGAGTTCAACCAGGTACATTATCATAATGGCCAA-3'

ClinVar aggregate classification (germline): Uncertain significance (1 of 4 stars; one submission).

Submission:

Labcorp Genetics (formerly Invitae), Labcorp
Classification: Uncertain significance. Last evaluated: 2024-08-30. Review status: criteria provided, single submitter. Criteria: Invitae Variant Classification Sherloc (09022015). Collection method: clinical testing. Allele origin: germline.
Comment: This sequence change falls in intron 3 of the WISP3 gene. It does not directly change the encoded amino acid sequence of the WISP3 protein. This variant is present in population databases (no rsID available, gnomAD 0.007%). This variant has not been reported in the literature in individuals affected with WISP3-related conditions. ClinVar contains an entry for this variant (Variation ID: 1680461). Algorithms developed to predict the effect of sequence changes on RNA splicing suggest that this variant may disrupt the consensus splice site. In summary, the available evidence is currently insufficient to determine the role of this variant in disease. Therefore, it has been classified as a Variant of Uncertain Significance.